The following is an entry in ClinVar:

NM_000548.5(TSC2):c.5326G>T (p.Ala1776Ser)

Gene: TSC2 (TSC complex subunit 2; plus strand). Cytogenetic location: 16p13.3.
Variant type: single nucleotide variant.
Coding change: c.5326G>T on transcript NM_000548.5 (MANE Select); coding-DNA position 5326, G replaced by T.
Protein change: p.Ala1776Ser; replaces alanine 1776 with serine.
Molecular consequence: missense variant. On other transcripts: non-coding transcript variant (5).
Genome position (GRCh38, 1-based): chr16:2,088,512, G>T. VCF-style: chr16-2088512-G-T. GRCh37 (hg19) VCF-style: chr16-2138513-G-T.
Other names: c.5125G>T, p.Ala1709Ser (NM_001077183.3); c.5257G>T, p.Ala1753Ser (NM_001114382.3); c.5017G>T, p.Ala1673Ser (NM_001318827.2); c.4981G>T, p.Ala1661Ser (NM_001318829.2); c.4594G>T, p.Ala1532Ser (NM_001318831.2); c.5158G>T, p.Ala1720Ser (NM_001318832.2); c.5128G>T, p.Ala1710Ser (NM_001363528.2); c.5194G>T, p.Ala1732Ser (NM_001370404.1); and 27 more; short protein forms A1285S, A1509S, A1660S, A1690S, A1752S, A1175S, A1556S, A1576S.
Identifiers: ClinVar variation 2861852 (VCV002861852.3), dbSNP rs2151639960, ClinGen allele CA394315549.
Genomic context (GRCh38, chr16:2,088,512, plus strand): 5'-GAGGAAGCCGCCTACTCCAACCCCAGCCTACCTCTGGTGCACCCTCCGTCCCATAGCAAA[G>T]CCCCTGCACAGACTCCAGCCGAGCCCACACCTGGCTATGAGGTGGGCCAGCGGAAGCGCC-3'
Protein context (NP_000539.2, residues 1766-1786): PLVHPPSHSK[Ala1776Ser]PAQTPAEPTP

ClinVar aggregate classification (germline): Uncertain significance (1 of 4 stars; one submission).

Conditions:
Tuberous sclerosis 2 (TSC2). Identifiers: Orphanet 805, MedGen C1860707, MONDO:0013199, OMIM 613254.

Submission:

Labcorp Genetics (formerly Invitae), Labcorp
Classification: Uncertain significance for Tuberous sclerosis 2. Last evaluated: 2023-05-03. Review status: criteria provided, single submitter. Criteria: Invitae Variant Classification Sherloc (09022015). Collection method: clinical testing. Allele origin: germline.
Comment: In summary, the available evidence is currently insufficient to determine the role of this variant in disease. Therefore, it has been classified as a Variant of Uncertain Significance. Advanced modeling of protein sequence and biophysical properties (such as structural, functional, and spatial information, amino acid conservation, physicochemical variation, residue mobility, and thermodynamic stability) performed at Invitae indicates that this missense variant is not expected to disrupt TSC2 protein function. This variant has not been reported in the literature in individuals affected with TSC2-related conditions. This variant is not present in population databases (gnomAD no frequency). This sequence change replaces alanine, which is neutral and non-polar, with serine, which is neutral and polar, at codon 1776 of the TSC2 protein (p.Ala1776Ser).